The following is an entry in ClinVar:

NM_001378414.1(HDAC4):c.2302A>C (p.Asn768His)

Gene: HDAC4 (histone deacetylase 4; minus strand). Cytogenetic location: 2q37.3.
Variant type: single nucleotide variant.
Coding change: c.2302A>C on transcript NM_001378414.1 (MANE Select); coding-DNA position 2302, A replaced by C.
Protein change: p.Asn768His; replaces asparagine 768 with histidine.
Molecular consequence: missense variant.
Genome position (GRCh38, 1-based): chr2:239,090,095, T>G on the plus strand (A>C on the coding strand, the complement: HDAC4 is on the minus strand). VCF-style: chr2-239090095-T-G. GRCh37 (hg19) VCF-style: chr2-240011791-T-G.
Other names: c.2302A>C, p.Asn768His (NM_001378415.1); c.2287A>C, p.Asn763His (NM_001378416.1, NM_001378417.1, NM_006037.4); short protein forms N763H, N768H.
Identifiers: ClinVar variation 2446184 (VCV002446184.2), dbSNP rs2470896003, ClinGen allele CA351264631.

ClinVar aggregate classification (germline): Uncertain significance (1 of 4 stars; one submission).

Submission:

GeneDx
Classification: Uncertain significance. Last evaluated: 2024-02-21. Review status: criteria provided, single submitter. Criteria: GeneDx Variant Classification Process June 2021. Collection method: clinical testing. Allele origin: germline.
Comment: Not observed at significant frequency in large population cohorts (gnomAD); In silico analysis supports that this missense variant has a deleterious effect on protein structure/function; Has not been previously published as pathogenic or benign to our knowledge